The following is an entry in ClinVar:

NM_001393504.1(MAST3):c.1906C>T (p.Pro636Ser)

Gene: MAST3 (microtubule associated serine/threonine kinase 3; plus strand). Cytogenetic location: 19p13.11.
Variant type: single nucleotide variant.
Coding change: c.1906C>T on transcript NM_001393504.1 (MANE Select); coding-DNA position 1906, C replaced by T.
Protein change: p.Pro636Ser; replaces proline 636 with serine.
Molecular consequence: missense variant.
Genome position (GRCh38, 1-based): chr19:18,135,775, C>T. VCF-style: chr19-18135775-C-T. GRCh37 (hg19) VCF-style: chr19-18246585-C-T.
Other names: c.1930C>T, p.Pro644Ser (NM_001393501.1); c.1909C>T, p.Pro637Ser (NM_001393502.1); c.1906C>T, p.Pro636Ser (NM_001393503.1); c.1903C>T, p.Pro635Ser (NM_001393505.1); c.1858C>T, p.Pro620Ser (NM_001393506.1, NM_001393513.1); c.1885C>T, p.Pro629Ser (NM_001393507.1); c.1840C>T, p.Pro614Ser (NM_001393508.1, NM_001393516.1); c.1837C>T, p.Pro613Ser (NM_001393509.1, NM_001393510.1, NM_001393512.1 and 2 more transcripts); and 4 more; short protein forms P598S, P606S, P607S, P612S, P613S, P614S, P620S, P629S.
Identifiers: ClinVar variation 4859529 (VCV004859529.1).

ClinVar aggregate classification (germline): Uncertain significance (1 of 4 stars; one submission).

Conditions:
Inborn genetic diseases. Identifiers: MedGen C0950123, MeSH D030342.

gnomAD v4.1: 28 of 1,612,176 alleles (0.0017%); highest among the groups gnomAD compares: Non-Finnish European, 0.0022%; no homozygotes.

Submission:

Ambry Genetics
Classification: Uncertain significance for Inborn genetic diseases. Last evaluated: 2026-03-19. Review status: criteria provided, single submitter. Criteria: Ambry Variant Classification Scheme 2023. Collection method: clinical testing. Allele origin: germline.
Comment: The c.1819C>T (p.P607S) alteration is located in exon 17 (coding exon 17) of the MAST3 gene. This alteration results from a C to T substitution at nucleotide position 1819, causing the proline (P) at amino acid position 607 to be replaced by a serine (S). Based on data from gnomAD, the T allele has an overall frequency of 0.001% (3/245578) total alleles studied. The highest observed frequency was 0.003% (3/111180) of European (non-Finnish) alleles. Based on insufficient or conflicting evidence, the clinical significance of this alteration remains unclear.